The following is an entry in ClinVar:

NM_000540.3(RYR1):c.3499G>A (p.Val1167Ile)

Gene: RYR1 (ryanodine receptor 1; plus strand). Cytogenetic location: 19q13.2.
Variant type: single nucleotide variant.
Coding change: c.3499G>A on transcript NM_000540.3 (MANE Select); coding-DNA position 3499, G replaced by A.
Protein change: p.Val1167Ile; replaces valine 1167 with isoleucine.
Molecular consequence: missense variant.
Genome position (GRCh38, 1-based): chr19:38,469,083, G>A. VCF-style: chr19-38469083-G-A. GRCh37 (hg19) VCF-style: chr19-38959723-G-A.
Other names: c.3499G>A, p.Val1167Ile (NM_001042723.2); short protein forms V1167I.
Identifiers: ClinVar variation 1414114 (VCV001414114.8), dbSNP rs747251082, ClinGen allele CA405638698.

ClinVar aggregate classification (germline): Uncertain significance (1 of 4 stars; one submission).

Conditions:
RYR1-related disorder. Also called: RYR1-related condition; RYR1-related disorders. Identifiers: MedGen CN239331.

gnomAD v4.1: 2 of 1,614,160 alleles (0.00012%); highest among the groups gnomAD compares: Non-Finnish European, 0.00017%; no homozygotes.

Submission:

Labcorp Genetics (formerly Invitae), Labcorp
Classification: Uncertain significance for RYR1-related disorder. Last evaluated: 2022-02-05. Review status: criteria provided, single submitter. Criteria: Invitae Variant Classification Sherloc (09022015). Collection method: clinical testing. Allele origin: germline.
Comment: In summary, the available evidence is currently insufficient to determine the role of this variant in disease. Therefore, it has been classified as a Variant of Uncertain Significance. Advanced modeling of protein sequence and biophysical properties (such as structural, functional, and spatial information, amino acid conservation, physicochemical variation, residue mobility, and thermodynamic stability) performed at Invitae indicates that this missense variant is not expected to disrupt RYR1 protein function. This variant has not been reported in the literature in individuals affected with RYR1-related conditions. This variant is not present in population databases (gnomAD no frequency). This sequence change replaces valine, which is neutral and non-polar, with isoleucine, which is neutral and non-polar, at codon 1167 of the RYR1 protein (p.Val1167Ile).